The following is an entry in ClinVar:

NM_181458.4(PAX3):c.873C>T (p.Pro291=)

Gene: PAX3 (paired box 3; minus strand). Cytogenetic location: 2q36.1.
Variant type: single nucleotide variant.
Coding change: c.873C>T on transcript NM_181458.4 (MANE Select); coding-DNA position 873, C replaced by T.
Protein change: p.Pro291=; no amino-acid change (proline 291 retained).
Molecular consequence: synonymous variant.
Genome position (GRCh38, 1-based): chr2:222,221,307, G>A on the plus strand (C>T on the coding strand, the complement: PAX3 is on the minus strand). VCF-style: chr2-222221307-G-A. GRCh37 (hg19) VCF-style: chr2-223086026-G-A.
Other names: c.870C>T, p.Pro290= (NM_001127366.3); c.873C>T, p.Pro291= (NM_181457.4, NM_181459.4, NM_181460.4 and 1 more transcripts).
Identifiers: ClinVar variation 226996 (VCV000226996.61), dbSNP rs141545923, ClinGen allele CA2135561.
Genomic context (GRCh38, chr2:222,221,307, plus strand): 5'-AGAGGTCTCCGACAGCTGGTACGTTGGCAAGGTCGGCATGGCAGTGGGAGGGAACCCCCC[G>A]GGAATGAGATGGTTGAAAGCCATCAGTTGATTGGCCCCAGCTTGCTTCCTCCATCTTGCA-3'
Protein context (NP_852123.1, residues 281-301): NQLMAFNHLI[Pro291=]GGFPPTAMPT

ClinVar aggregate classification (germline): Benign/Likely benign. Review status: criteria provided, multiple submitters, no conflicts (2 of 4 stars). 8 submissions from 7 submitters: Benign (4); Likely benign (3). 1 of the submissions does not count toward it. Last evaluated 2026-01-27.

Conditions:
PAX3-related disorder. Also called: PAX3-related condition.
Waardenburg syndrome. Also called: Waardenburg's syndrome. Identifiers: Orphanet 3440, MedGen C3266898, MONDO:0018094.
Craniofacial-deafness-hand syndrome (CDHS). Identifiers: Orphanet 1529, MedGen C1852510, MONDO:0007395, OMIM 122880.

Allele frequency attached by ClinVar (database versions not stated): 1000 Genomes Project 30x 0.00016; 1000 Genomes Project 0.00020; gnomAD exomes 0.00158; gnomAD 0.00168 and 0.00170; TOPMed 0.00171; ExAC 0.00193; ESP Exome Variant Server 0.00208.
gnomAD v4.1: 3,377 of 1,614,020 alleles (0.21%); highest among the groups gnomAD compares: Non-Finnish European, 0.25%; 8 homozygotes.

Submissions (8):

Labcorp Genetics (formerly Invitae), Labcorp
Classification: Benign. Last evaluated: 2026-01-27. Review status: criteria provided, single submitter. Criteria: Invitae Variant Classification Sherloc (09022015). Collection method: clinical testing. Allele origin: germline.

CeGaT Center for Human Genetics Tuebingen
Classification: Likely benign. Last evaluated: 2025-08-01. Review status: criteria provided, single submitter. Criteria: CeGaT Center For Human Genetics Tuebingen Variant Classification Criteria Version 2. Collection method: clinical testing. Allele origin: germline. Affected: yes. Observed: 8 variant alleles.
Comment: PAX3: BP4, BP7

Blueprint Genetics
Classification: Likely benign. Last evaluated: 2024-11-11. Review status: criteria provided, single submitter. Criteria: ACMG Guidelines, 2015. Collection method: clinical testing. Allele origin: germline.

GeneDx
Classification: Likely benign. Last evaluated: 2021-04-07. Review status: criteria provided, single submitter. Criteria: GeneDx Variant Classification Process June 2021. Collection method: clinical testing. Allele origin: germline. Affected: yes.

Illumina Laboratory Services, Illumina
Classification: Benign for Waardenburg syndrome. Last evaluated: 2018-01-12. Review status: criteria provided, single submitter. Criteria: ICSL Variant Classification Criteria 13 December 2019. Collection method: clinical testing. Allele origin: germline.
Comment: This variant was observed in the ICSL laboratory as part of a predisposition screen in an ostensibly healthy population. It had not been previously curated by ICSL or reported in the Human Gene Mutation Database (HGMD: prior to June 1st, 2018), and was therefore a candidate for classification through an automated scoring system. Utilizing variant allele frequency, disease prevalence and penetrance estimates, and inheritance mode, an automated score was calculated to assess if this variant is too frequent to cause the disease. Based on the score and internal cut-off values, a variant classified as benign is not then subjected to further curation. The score for this variant resulted in a classification of benign for this disease.

Illumina Laboratory Services, Illumina
Classification: Benign for Craniofacial-deafness-hand syndrome. Last evaluated: 2018-01-12. Review status: criteria provided, single submitter. Criteria: ICSL Variant Classification Criteria 13 December 2019. Collection method: clinical testing. Allele origin: germline.
Comment: the same text as in the submission from Illumina Laboratory Services, Illumina above.

Laboratory for Molecular Medicine, Mass General Brigham Personalized Medicine
Classification: Benign. Last evaluated: 2014-11-24. Review status: criteria provided, single submitter. Criteria: LMM Criteria. Collection method: clinical testing. Allele origin: germline. Observed: 2 variant alleles.
Comment: Pro290Pro in exon 6 of PAX3: This variant is not expected to have clinical signi ficance because it does not alter an amino acid residue and is not located withi n the splice consensus sequence. It has been identified in 0.3% (25/8600) of Eur opean American chromosomes from a broad population by the NHLBI Exome Sequencing Project (dbSNP rs141545923).

PreventionGenetics, part of Exact Sciences
Classification: Likely benign for PAX3-related condition. Last evaluated: 2019-04-01. Review status: no assertion criteria provided. Collection method: clinical testing. Allele origin: germline. Not counted in ClinVar's aggregate classification.
Comment: This variant is classified as likely benign based on ACMG/AMP sequence variant interpretation guidelines (Richards et al. 2015 PMID: 25741868, with internal and published modifications).